The following is an entry in ClinVar:

NM_203288.2(RP9):c.362del (p.Pro121fs)

Gene: RP9 (RP9 pre-mRNA splicing factor; minus strand). Cytogenetic location: 7p14.3.
Variant type: Deletion.
Coding change: c.362del on transcript NM_203288.2 (MANE Select); coding-DNA position 362, one base deleted (C; older notation c.362delC).
Protein change: p.Pro121fs; shifts the reading frame from proline 121.
Molecular consequence: frameshift variant.
Genome position (GRCh38, 1-based): chr7:33,097,314, G deleted on the plus strand (C on the coding strand, the reverse complement: RP9 is on the minus strand); the first of 3 consecutive G bases (chr7:33,097,314-33,097,316); deleting any one gives the same sequence. VCF-style (leftmost placement, unchanged base first): chr7-33097313-AG-A. GRCh37 (hg19) VCF-style: chr7-33136925-AG-A.
Other names: short protein forms P121fs.
Identifiers: ClinVar variation 3688640 (VCV003688640.2).

ClinVar aggregate classification (germline): Uncertain significance (1 of 4 stars; one submission).

Submission:

Labcorp Genetics (formerly Invitae), Labcorp
Classification: Uncertain significance. Last evaluated: 2024-06-13. Review status: criteria provided, single submitter. Criteria: Invitae Variant Classification Sherloc (09022015). Collection method: clinical testing. Allele origin: germline.
Comment: This sequence change creates a premature translational stop signal (p.Pro121Leufs*10) in the RP9 gene. It is expected to result in an absent or disrupted protein product. However, the current clinical and genetic evidence is not sufficient to establish whether loss-of-function variants in RP9 cause disease. This variant is not present in population databases (gnomAD no frequency). This variant has not been reported in the literature in individuals affected with RP9-related conditions. In summary, the available evidence is currently insufficient to determine the role of this variant in disease. Therefore, it has been classified as a Variant of Uncertain Significance.